The following is an entry in ClinVar:

ClinVar aggregate classification (germline): Uncertain significance (1 of 4 stars; one submission).

Submission:

Labcorp Genetics (formerly Invitae), Labcorp
Classification: Uncertain significance. Last evaluated: 2022-08-22. Review status: criteria provided, single submitter. Criteria: Invitae Variant Classification Sherloc (09022015). Collection method: clinical testing. Allele origin: germline.
Comment: Algorithms developed to predict the effect of missense changes on protein structure and function (SIFT, PolyPhen-2, Align-GVGD) all suggest that this variant is likely to be tolerated. In summary, the available evidence is currently insufficient to determine the role of this variant in disease. Therefore, it has been classified as a Variant of Uncertain Significance. Algorithms developed to predict the effect of sequence changes on RNA splicing suggest that this variant may create or strengthen a splice site. This variant has not been reported in the literature in individuals affected with LZTS1-related conditions. This variant is not present in population databases (gnomAD no frequency). This sequence change replaces arginine, which is basic and polar, with serine, which is neutral and polar, at codon 253 of the LZTS1 protein (p.Arg253Ser).

NM_021020.5(LZTS1):c.757C>A (p.Arg253Ser)

Gene: LZTS1 (leucine zipper tumor suppressor 1; minus strand). Cytogenetic location: 8p21.3.
Variant type: single nucleotide variant.
Coding change: c.757C>A on transcript NM_021020.5 (MANE Select); coding-DNA position 757, C replaced by A.
Protein change: p.Arg253Ser; replaces arginine 253 with serine.
Molecular consequence: missense variant.
Genome position (GRCh38, 1-based): chr8:20,253,174, G>T on the plus strand (C>A on the coding strand, the complement: LZTS1 is on the minus strand). VCF-style: chr8-20253174-G-T. GRCh37 (hg19) VCF-style: chr8-20110685-G-T.
Other names: c.757C>A, p.Arg253Ser (NM_001362884.2); short protein forms R253S.
Identifiers: ClinVar variation 1911083 (VCV001911083.5), dbSNP rs766192772, ClinGen allele CA370477597.
Genomic context (GRCh38, chr8:20,253,174, plus strand): 5'-TCTCCAACAGCTTCTGCTCCAGCTCCTGGATGCTGCACTCGTCCGTGGAGATGGGGGAGC[G>T]GACACACGAGGGGCCCTTGTCTGCCTTGTTCGAGTGGCCCAGCTTGCTACCTCCGTCGGA-3'
Protein context (NP_066300.1, residues 243-263): NKADKGPSCV[Arg253Ser]SPISTDECSI